The following is an entry in ClinVar:

ClinVar aggregate classification (germline): Uncertain significance (1 of 4 stars; one submission).

Conditions:
Encephalopathy, acute, infection-induced (herpes-specific), susceptibility to, 6. Also called: Herpes simplex encephalitis, susceptibility to, 4. Identifiers: Orphanet 1930, MedGen C3553869, MONDO:0013921, OMIM 614850.

Submission:

Labcorp Genetics (formerly Invitae), Labcorp
Classification: Uncertain significance for Encephalopathy, acute, infection-induced (herpes-specific), susceptibility to, 6. Last evaluated: 2022-08-19. Review status: criteria provided, single submitter. Criteria: Invitae Variant Classification Sherloc (09022015). Collection method: clinical testing. Allele origin: germline.
Comment: This sequence change replaces methionine, which is neutral and non-polar, with isoleucine, which is neutral and non-polar, at codon 695 of the TICAM1 protein (p.Met695Ile). This variant is not present in population databases (gnomAD no frequency). This variant has not been reported in the literature in individuals affected with TICAM1-related conditions. Algorithms developed to predict the effect of missense changes on protein structure and function are either unavailable or do not agree on the potential impact of this missense change (SIFT: "Deleterious"; PolyPhen-2: "Probably Damaging"; Align-GVGD: "Class C0"). In summary, the available evidence is currently insufficient to determine the role of this variant in disease. Therefore, it has been classified as a Variant of Uncertain Significance.

NM_182919.4(TICAM1):c.2085G>T (p.Met695Ile)

Gene: TICAM1 (TIR domain containing adaptor molecule 1; minus strand). Cytogenetic location: 19p13.3.
Variant type: single nucleotide variant.
Coding change: c.2085G>T on transcript NM_182919.4 (MANE Select); coding-DNA position 2085, G replaced by T.
Protein change: p.Met695Ile; replaces methionine 695 with isoleucine.
Molecular consequence: missense variant.
Genome position (GRCh38, 1-based): chr19:4,816,293, C>A on the plus strand (G>T on the coding strand, the complement: TICAM1 is on the minus strand). VCF-style: chr19-4816293-C-A. GRCh37 (hg19) VCF-style: chr19-4816305-C-A.
Other names: c.2043G>T, p.Met681Ile (NM_001385678.1); c.1950G>T, p.Met650Ile (NM_001385679.1); c.1443G>T, p.Met481Ile (NM_001385680.1); short protein forms M695I, M481I, M650I, M681I.
Identifiers: ClinVar variation 1916099 (VCV001916099.5), dbSNP rs778249694, ClinGen allele CA304546853.